The following is an entry in ClinVar:

NM_032383.5(HPS3):c.1561del (p.Leu521fs)

Gene: HPS3 (HPS3 biogenesis of lysosomal organelles complex 2 subunit 1; plus strand). Cytogenetic location: 3q24.
Variant type: Deletion.
Coding change: c.1561del on transcript NM_032383.5 (MANE Select); coding-DNA position 1561, one base deleted (C; older notation c.1561delC).
Protein change: p.Leu521fs; shifts the reading frame from leucine 521.
Molecular consequence: frameshift variant.
Genome position (GRCh38, 1-based): chr3:149,157,401, C deleted; the last of 2 consecutive C bases (chr3:149,157,400-149,157,401); deleting either gives the same sequence. VCF-style (leftmost placement, unchanged base first): chr3-149157399-AC-A. GRCh37 (hg19) VCF-style: chr3-148875186-AC-A.
Other names: c.1066del, p.Leu356fs (NM_001308258.2); c.1561delC (NM_032383.4); short protein forms L521fs, L356fs.
Identifiers: ClinVar variation 1355617 (VCV001355617.8), dbSNP rs2108158577, ClinGen allele CA2573136646.
Genomic context (GRCh38, chr3:149,157,399, plus strand): 5'-TTTTTGTTTAGGTAGACTATAGCAATACCTATAAGACTGTCAAAACCCAGAGCTGCATTC[AC>A]CTTCTCAGTGAGGCTCATCTGTTAGTGCGAGCTGCCCTGATGGATGCCAGTCAGCTGGAA-3'

ClinVar aggregate classification (germline): Pathogenic/Likely pathogenic. Review status: criteria provided, multiple submitters, no conflicts (2 of 4 stars). 3 submissions from 3 submitters: Pathogenic (2); Likely pathogenic (1). Last evaluated 2024-02-25.

Conditions:
Hermansky-Pudlak syndrome 3 (HPS3). Identifiers: Orphanet 231512, Orphanet 79430, MedGen C3888001, MONDO:0013555, OMIM 614072.
Hermansky-Pudlak syndrome (HPS). Also called: ALBINISM WITH HEMORRHAGIC DIATHESIS AND PIGMENTED RETICULOENDOTHELIAL CELLS. Identifiers: Orphanet 79430, MedGen C0079504, MONDO:0019312.

Submissions (3):

Natera, Inc.
Classification: Likely pathogenic for Hermansky-Pudlak syndrome. Last evaluated: 2024-02-25. Review status: criteria provided, single submitter. Criteria: Natera Variant Classification Schema (03/2026). Collection method: clinical testing. Allele origin: germline.
Comment: The c.1561delC variant in HPS3 is a frameshift variant predicted to shift the reading frame beginning at codon 521 and leads to a stop codon 8 codons downstream. This variant is expected to result in nonsense mediated decay, truncation, or a dysfunctional protein product. This variant is rare in the general population with a frequency below the threshold expected for the associated phenotype(s). Given the available evidence, this variant is classified as Likely Pathogenic.

3billion
Classification: Pathogenic for Hermansky-Pudlak syndrome 3. Last evaluated: 2022-03-22. Review status: criteria provided, single submitter. Criteria: ACMG Guidelines, 2015. Collection method: clinical testing. Allele origin: germline. Affected: yes. Observed: 1 homozygote.
Comment: Frameshift: predicted to result in a loss or disruption of normal protein function through nonsense-mediated decay (NMD) or protein truncation. Multiple pathogenic variants are reported downstream of the variant.It is not observed in the gnomAD v2.1.1 dataset. Therefore, this variant is classified as pathogenic according to the recommendation of ACMG/AMP guideline.

Labcorp Genetics (formerly Invitae), Labcorp
Classification: Pathogenic. Last evaluated: 2021-06-30. Review status: criteria provided, single submitter. Criteria: Invitae Variant Classification Sherloc (09022015). Collection method: clinical testing. Allele origin: germline.
Comment: This variant has not been reported in the literature in individuals affected with HPS3-related conditions. This sequence change creates a premature translational stop signal (p.Leu521Phefs*8) in the HPS3 gene. It is expected to result in an absent or disrupted protein product. Loss-of-function variants in HPS3 are known to be pathogenic (PMID: 11590544). This variant is not present in population databases (ExAC no frequency). For these reasons, this variant has been classified as Pathogenic.

Literature cited by the submitters: PubMed 11590544 (cited by Labcorp Genetics (formerly Invitae), Labcorp).